The following is an entry in ClinVar:

ClinVar aggregate classification (germline): Uncertain significance (1 of 4 stars; one submission).

gnomAD v4.1: 1 of 1,595,620 alleles (0.000063%); highest among the groups gnomAD compares: Non-Finnish European, 0.000086%; no homozygotes.

Submission:

Labcorp Genetics (formerly Invitae), Labcorp
Classification: Uncertain significance. Last evaluated: 2022-06-13. Review status: criteria provided, single submitter. Criteria: Invitae Variant Classification Sherloc (09022015). Collection method: clinical testing. Allele origin: germline.
Comment: In summary, the available evidence is currently insufficient to determine the role of this variant in disease. Therefore, it has been classified as a Variant of Uncertain Significance. Algorithms developed to predict the effect of missense changes on protein structure and function are either unavailable or do not agree on the potential impact of this missense change (SIFT: "Deleterious"; PolyPhen-2: "Benign"; Align-GVGD: "Class C0"). This variant has not been reported in the literature in individuals affected with MYSM1-related conditions. This variant is not present in population databases (gnomAD no frequency). This sequence change replaces proline, which is neutral and non-polar, with leucine, which is neutral and non-polar, at codon 700 of the MYSM1 protein (p.Pro700Leu).

NM_001085487.3(MYSM1):c.2099C>T (p.Pro700Leu)

Gene: MYSM1 (Myb like, SWIRM and MPN domains 1; minus strand). Cytogenetic location: 1p32.1.
Variant type: single nucleotide variant.
Coding change: c.2099C>T on transcript NM_001085487.3 (MANE Select); coding-DNA position 2099, C replaced by T.
Protein change: p.Pro700Leu; replaces proline 700 with leucine.
Molecular consequence: missense variant.
Genome position (GRCh38, 1-based): chr1:58,665,564, G>A on the plus strand (C>T on the coding strand, the complement: MYSM1 is on the minus strand). VCF-style: chr1-58665564-G-A. GRCh37 (hg19) VCF-style: chr1-59131236-G-A.
Other names: short protein forms P700L.
Identifiers: ClinVar variation 1376601 (VCV001376601.4), dbSNP rs1387018800, ClinGen allele CA340518638.